The following is an entry in ClinVar:

ClinVar aggregate classification (germline): Uncertain significance (1 of 4 stars; one submission).

Conditions:
Brugada syndrome 8 (BRGDA8). Identifiers: Orphanet 130, MedGen C2751083, MONDO:0013148, OMIM 613123.

Submission:

Labcorp Genetics (formerly Invitae), Labcorp
Classification: Uncertain significance for Brugada syndrome 8. Last evaluated: 2025-02-06. Review status: criteria provided, single submitter. Criteria: Invitae Variant Classification Sherloc (09022015). Collection method: clinical testing. Allele origin: germline.
Comment: This sequence change replaces alanine, which is neutral and non-polar, with aspartic acid, which is acidic and polar, at codon 762 of the HCN4 protein (p.Ala762Asp). This variant is not present in population databases (gnomAD no frequency). This variant has not been reported in the literature in individuals affected with HCN4-related conditions. Invitae Evidence Modeling of protein sequence and biophysical properties (such as structural, functional, and spatial information, amino acid conservation, physicochemical variation, residue mobility, and thermodynamic stability) has been performed for this missense variant. However, the output from this modeling did not meet the statistical confidence thresholds required to predict the impact of this variant on HCN4 protein function. In summary, the available evidence is currently insufficient to determine the role of this variant in disease. Therefore, it has been classified as a Variant of Uncertain Significance.

NM_005477.3(HCN4):c.2285C>A (p.Ala762Asp)

Gene: HCN4 (hyperpolarization activated cyclic nucleotide gated potassium channel 4; minus strand). Cytogenetic location: 15q24.1.
Variant type: single nucleotide variant.
Coding change: c.2285C>A on transcript NM_005477.3 (MANE Select); coding-DNA position 2285, C replaced by A.
Protein change: p.Ala762Asp; replaces alanine 762 with aspartic acid.
Molecular consequence: missense variant.
Genome position (GRCh38, 1-based): chr15:73,323,808, G>T on the plus strand (C>A on the coding strand, the complement: HCN4 is on the minus strand). VCF-style: chr15-73323808-G-T. GRCh37 (hg19) VCF-style: chr15-73616149-G-T.
Other names: short protein forms A762D.
Identifiers: ClinVar variation 4709576 (VCV004709576.1).
Genomic context (GRCh38, chr15:73,323,808, plus strand): 5'-AGTGGTGCCTGGATCAGCGGGGTCCAGATGACGGGCGTGGGGGTTGGGGTGGCAGAGGCA[G>T]CAGCCTGGACGCGGTGCGCGCAGTGGGCCATCTCCCGGTCATGCTGCACAATCTGCTGGA-3'
Protein context (NP_005468.1, residues 752-772): MAHCAHRVQA[Ala762Asp]ASATPTPTPV